The following is an entry in ClinVar:

NM_001164508.2(NEB):c.23294_23295del (p.Val7765fs)

Genes: NEB (nebulin; minus strand), RIF1 (replication timing regulatory factor 1; plus strand). Cytogenetic location: 2q23.3.
Variant type: Deletion.
Coding change: c.23294_23295del on transcript NM_001164508.2 (MANE Select); coding-DNA positions 23294 to 23295, 2 bases deleted (TT; older notation c.23294_23295delTT).
Protein change: p.Val7765fs; shifts the reading frame from valine 7765.
Molecular consequence: frameshift variant.
Genome position (GRCh38, 1-based): chr2:151,512,784-151,512,785, AA deleted on the plus strand (TT on the coding strand, the reverse complement: NEB is on the minus strand). VCF-style (leftmost placement, unchanged base first): chr2-151512783-CAA-C. GRCh37 (hg19) VCF-style: chr2-152369297-CAA-C.
Other names: c.23294_23295del, p.Val7765fs (NM_001164507.2); c.23399_23400del, p.Val7800fs (NM_001271208.2); c.18191_18192del, p.Val6064fs (NM_004543.5); short protein forms V6064fs, V7765fs, V7800fs.
Identifiers: ClinVar variation 5011462 (VCV005011462.1).

ClinVar aggregate classification (germline): Pathogenic (1 of 4 stars; one submission).

Conditions:
Nemaline myopathy 2 (NEM2). Also called: Nemaline myopathy 2, autosomal recessive. Identifiers: MedGen C1850569, MONDO:0009725, OMIM 256030.

Submission:

Myriad Genetics, Inc.
Classification: Pathogenic for Nemaline myopathy 2. Last evaluated: 2023-08-22. Review status: criteria provided, single submitter. Criteria: Myriad Autosomal Dominant, Autosomal Recessive and X-Linked Classification Criteria (2023). Collection method: clinical testing. Allele origin: unknown.
Comment: NM_001271208.1(NEB):c.23399_23400delTT(V7800Gfs*25) is expected to be pathogenic in the context of NEB-related nemaline myopathy. This variant is predicted to lead to an abnormal or absent protein product due to the creation of a premature termination codon in NEB, a gene where loss-of-function variants are known to be pathogenic. Please note: this variant was assessed in the context of healthy population screening.